The following is an entry in ClinVar:

ClinVar aggregate classification (germline): Likely benign. Review status: criteria provided, multiple submitters, no conflicts (2 of 4 stars). 2 submissions from 2 submitters: Likely benign (2). Last evaluated 2025-06-02.

Conditions:
MYH14-related disorder. Also called: MYH14-related condition.

Allele frequency attached by ClinVar (database versions not stated): TOPMed 0.00002; gnomAD 0.00003; 1000 Genomes Project 30x 0.00031; ExAC 0.00034; 1000 Genomes Project 0.00040.
gnomAD v4.1: 114 of 1,582,204 alleles (0.0072%); highest among the groups gnomAD compares: South Asian, 0.066%; 3 homozygotes.

Submissions (2):

Labcorp Genetics (formerly Invitae), Labcorp
Classification: Likely benign. Last evaluated: 2025-06-02. Review status: criteria provided, single submitter. Criteria: Invitae Variant Classification Sherloc (09022015). Collection method: clinical testing. Allele origin: germline.

PreventionGenetics, part of Exact Sciences
Classification: Likely benign for MYH14-related condition. Last evaluated: 2025-01-11. Review status: criteria provided, single submitter. Criteria: ACMG Guidelines, 2015. Collection method: clinical testing. Allele origin: germline.
Comment: This variant is classified as likely benign based on ACMG/AMP sequence variant interpretation guidelines (Richards et al. 2015 PMID: 25741868, with internal and published modifications).

NM_001145809.2(MYH14):c.3997C>G (p.Arg1333Gly)

Gene: MYH14 (myosin heavy chain 14; plus strand). Cytogenetic location: 19q13.33.
Variant type: single nucleotide variant.
Coding change: c.3997C>G on transcript NM_001145809.2 (MANE Select); coding-DNA position 3997, C replaced by G.
Protein change: p.Arg1333Gly; replaces arginine 1333 with glycine.
Molecular consequence: missense variant.
Genome position (GRCh38, 1-based): chr19:50,278,254, C>G. VCF-style: chr19-50278254-C-G. GRCh37 (hg19) VCF-style: chr19-50781511-C-G.
Other names: c.3997C>G (NM_001145809.1); c.3898C>G, p.Arg1300Gly (NM_001077186.2); c.3874C>G, p.Arg1292Gly (NM_024729.4); short protein forms R1333G, R1292G, R1300G.
Identifiers: ClinVar variation 1985987 (VCV001985987.5), dbSNP rs577038007, ClinGen allele CA9593388.